The following is an entry in ClinVar:

ClinVar aggregate classification (germline): Likely pathogenic (0 of 4 stars; one submission).

Conditions:
Glycine encephalopathy. Also called: Nonketotic hyperglycinemia; Non-ketotic hyperglycinemia. Identifiers: Orphanet 407, MedGen C0751748, MONDO:0011612, HP:0008288.

Submission:

Juha Muilu Group; Institute for Molecular Medicine Finland (FIMM)
Classification: Likely pathogenic for Non-ketotic hyperglycinemia. Review status: no assertion criteria provided. Collection method: not provided. Allele origin: unknown.
Comment: FinDis database variant: This variant was not found or characterized by our laboratory, data were collected from public sources: see reference
ClinVar note: Converted during submission from probable-pathogenic to Likely pathogenic.

NM_000170.3(GLDC):c.861+1G>T

Gene: GLDC (glycine decarboxylase; minus strand). Cytogenetic location: 9p24.1.
Variant type: single nucleotide variant.
Coding change: c.861+1G>T on transcript NM_000170.3 (MANE Select); the canonical splice donor site of the intron after coding-DNA position 861, G replaced by T.
Molecular consequence: splice donor variant.
Genome position (GRCh38, 1-based): chr9:6,605,130, C>A on the plus strand (G>T on the coding strand, the complement: GLDC is on the minus strand). VCF-style: chr9-6605130-C-A. GRCh37 (hg19) VCF-style: chr9-6605130-C-A.
Identifiers: ClinVar variation 56107 (VCV000056107.2), dbSNP rs386833590, ClinGen allele CA263447.